The following is an entry in ClinVar:

NM_007289.4(MME):c.2133G>A (p.Val711=)

Gene: MME (membrane metalloendopeptidase; plus strand). Cytogenetic location: 3q25.2.
Variant type: single nucleotide variant.
Coding change: c.2133G>A on transcript NM_007289.4 (MANE Select); coding-DNA position 2133, G replaced by A.
Protein change: p.Val711=; no amino-acid change (valine 711 retained).
Molecular consequence: synonymous variant.
Genome position (GRCh38, 1-based): chr3:155,172,592, G>A. VCF-style: chr3-155172592-G-A. GRCh37 (hg19) VCF-style: chr3-154890381-G-A.
Other names: p.Val711=; c.2133G>A (NM_007289.3); c.2133G>A, p.Val711= (NM_000902.5, NM_001354642.2, NM_001354643.1 and 2 more transcripts).
Identifiers: ClinVar variation 707888 (VCV000707888.17), dbSNP rs61760409, ClinGen allele CA2675757.

ClinVar aggregate classification (germline): Benign/Likely benign. Review status: criteria provided, multiple submitters, no conflicts (2 of 4 stars). 6 submissions from 6 submitters: Benign (4); Likely benign (1). 1 of the submissions does not count toward it. Last evaluated 2026-02-01.

Conditions:
MME-related disorder. Also called: MME-related condition.
Spinocerebellar ataxia 43 (SCA43). Identifiers: Orphanet 497764, MedGen C4310763, MONDO:0014867, OMIM 617018.
Charcot-Marie-Tooth disease axonal type 2T. Identifiers: Orphanet 443950, MedGen C4015635, OMIM 617017, MONDO:0014866.

Allele frequency attached by ClinVar (database versions not stated): TOPMed 0.00467; gnomAD 0.00518 and 0.00604; ESP Exome Variant Server 0.00661; 1000 Genomes Project 30x 0.00812; gnomAD exomes 0.00851 and 0.00911; 1000 Genomes Project 0.00859; ExAC 0.00998.
gnomAD v4.1: 13,307 of 1,612,612 alleles (0.83%); highest among the groups gnomAD compares: South Asian, 3.1%; 116 homozygotes.

Submissions (6):

Labcorp Genetics (formerly Invitae), Labcorp
Classification: Benign. Last evaluated: 2026-02-01. Review status: criteria provided, single submitter. Criteria: Invitae Variant Classification Sherloc (09022015). Collection method: clinical testing. Allele origin: germline.

Mayo Clinic Laboratories, Mayo Clinic
Classification: Benign. Last evaluated: 2023-05-12. Review status: criteria provided, single submitter. Criteria: ACMG Guidelines, 2015. Collection method: clinical testing. Allele origin: germline. Observed: 8 variant alleles.
Comment: BA1, BP4, BP7

Fulgent Genetics
Classification: Likely benign for Charcot-Marie-Tooth disease axonal type 2T; Spinocerebellar ataxia 43. Last evaluated: 2022-01-10. Review status: criteria provided, single submitter. Criteria: ACMG Guidelines, 2015. Collection method: clinical testing. Allele origin: unknown.

GeneDx
Classification: Benign. Last evaluated: 2019-09-06. Review status: criteria provided, single submitter. Criteria: GeneDx Variant Classification Process June 2021. Collection method: clinical testing. Allele origin: germline. Affected: yes.

Breakthrough Genomics
Classification: Benign. Review status: criteria provided, single submitter. Criteria: ACMG Guidelines, 2015. Collection method: not provided. Allele origin: germline. Inheritance: Autosomal recessive inheritance. Affected: yes.

PreventionGenetics, part of Exact Sciences
Classification: Benign for MME-related condition. Last evaluated: 2019-05-08. Review status: no assertion criteria provided. Collection method: clinical testing. Allele origin: germline. Not counted in ClinVar's aggregate classification.
Comment: This variant is classified as benign based on ACMG/AMP sequence variant interpretation guidelines (Richards et al. 2015 PMID: 25741868, with internal and published modifications).